The following is an entry in ClinVar:

NM_017934.7(PHIP):c.1703A>T (p.Asp568Val)

Gene: PHIP (PHIP subunit of CUL4-Ring ligase complex; minus strand). Cytogenetic location: 6q14.1.
Variant type: single nucleotide variant.
Coding change: c.1703A>T on transcript NM_017934.7 (MANE Select); coding-DNA position 1703, A replaced by T.
Protein change: p.Asp568Val; replaces aspartic acid 568 with valine.
Molecular consequence: missense variant.
Genome position (GRCh38, 1-based): chr6:79,002,075, T>A on the plus strand (A>T on the coding strand, the complement: PHIP is on the minus strand). VCF-style: chr6-79002075-T-A. GRCh37 (hg19) VCF-style: chr6-79711792-T-A.
Other names: short protein forms D568V.
Identifiers: ClinVar variation 3356383 (VCV003356383.1).

ClinVar aggregate classification (germline): Uncertain significance (0 of 4 stars; one submission).

Conditions:
PHIP-related disorder. Also called: PHIP-related condition; PHIP-related disorders.

Submission:

PreventionGenetics, part of Exact Sciences
Classification: Uncertain significance for PHIP-related condition. Last evaluated: 2023-11-09. Review status: no assertion criteria provided. Collection method: clinical testing. Allele origin: germline.
Comment: The PHIP c.1703A>T variant is predicted to result in the amino acid substitution p.Asp568Val. To our knowledge, this variant has not been reported in the literature or in a large population database, indicating this variant is rare. At this time, the clinical significance of this variant is uncertain due to the absence of conclusive functional and genetic evidence.